The following is an entry in ClinVar:

NM_032119.4(ADGRV1):c.12536_12537delinsTT (p.Arg4179Leu)

Gene: ADGRV1 (adhesion G protein-coupled receptor V1; plus strand). Cytogenetic location: 5q14.3.
Variant type: Indel.
Coding change: c.12536_12537delinsTT on transcript NM_032119.4 (MANE Select); coding-DNA positions 12536 to 12537, GA replaced by TT.
Protein change: p.Arg4179Leu; replaces arginine 4179 with leucine.
Molecular consequence: missense variant. On other transcripts: non-coding transcript variant (1).
Genome position (GRCh38, 1-based): chr5:90,777,913-90,777,914, GA replaced by TT. VCF-style: chr5-90777913-GA-TT. GRCh37 (hg19) VCF-style: chr5-90073730-GA-TT.
Other names: short protein forms R4179L.
Identifiers: ClinVar variation 4281594 (VCV004281594.7).

ClinVar aggregate classification (germline): Uncertain significance (1 of 4 stars; one submission).

Submission:

CeGaT Center for Human Genetics Tuebingen
Classification: Uncertain significance. Last evaluated: 2025-09-01. Review status: criteria provided, single submitter. Criteria: CeGaT Center For Human Genetics Tuebingen Variant Classification Criteria Version 2. Collection method: clinical testing. Allele origin: germline. Affected: yes. Observed: 1 variant allele.
Comment: ADGRV1: PM2